The following is an entry in ClinVar:

NM_003072.5(SMARCA4):c.1107G>A (p.Glu369=)

Gene: SMARCA4 (SWI/SNF related BAF chromatin remodeling complex subunit ATPase 4; plus strand). Cytogenetic location: 19p13.2.
Variant type: single nucleotide variant.
Coding change: c.1107G>A on transcript NM_003072.5 (MANE Select); coding-DNA position 1107, G replaced by A.
Protein change: p.Glu369=; no amino-acid change (glutamic acid 369 retained).
Molecular consequence: synonymous variant. On other transcripts: non-coding transcript variant (1).
Genome position (GRCh38, 1-based): chr19:10,987,913, G>A. VCF-style: chr19-10987913-G-A. GRCh37 (hg19) VCF-style: chr19-11098589-G-A.
Other names: c.1107G>A, p.Glu369= (NM_001128844.3, NM_001128845.2, NM_001128846.2 and 4 more transcripts).
Identifiers: ClinVar variation 746270 (VCV000746270.14), dbSNP rs1599972392, ClinGen allele CA505489797.

ClinVar aggregate classification (germline): Benign/Likely benign. Review status: criteria provided, multiple submitters, no conflicts (2 of 4 stars). 3 submissions from 3 submitters: Benign (1); Likely benign (2). Last evaluated 2026-07-09.

Conditions:
Hereditary cancer-predisposing syndrome. Also called: Hereditary neoplastic syndrome; Neoplastic Syndromes, Hereditary; Tumor predisposition; Hereditary Cancer Syndrome. Identifiers: Orphanet 140162, MedGen C0027672, MeSH D009386, MONDO:0015356.
Rhabdoid tumor predisposition syndrome 2 (RTPS2). Identifiers: Orphanet 231108, Orphanet 69077, MedGen C2750074, MONDO:0013224, OMIM 613325.

Allele frequency attached by ClinVar (database versions not stated): gnomAD exomes 0.00002; TOPMed 0.00001.
gnomAD v4.1: 24 of 1,612,804 alleles (0.0015%); highest among the groups gnomAD compares: Non-Finnish European, 0.002%; no homozygotes.

Submissions (3):

Myriad Genetics, Inc.
Classification: Benign for Rhabdoid tumor predisposition syndrome 2. Last evaluated: 2026-07-09. Review status: criteria provided, single submitter. Criteria: Myriad Autosomal Dominant, Autosomal Recessive and X-Linked Classification Criteria (2023). Collection method: clinical testing. Allele origin: unknown.
Comment: This variant is considered benign. This variant is a silent/synonymous amino acid change and it is not expected to impact splicing.

Labcorp Genetics (formerly Invitae), Labcorp
Classification: Likely benign for Rhabdoid tumor predisposition syndrome 2. Last evaluated: 2025-12-29. Review status: criteria provided, single submitter. Criteria: Invitae Variant Classification Sherloc (09022015). Collection method: clinical testing. Allele origin: germline.

Ambry Genetics
Classification: Likely benign for Hereditary cancer-predisposing syndrome. Last evaluated: 2021-03-31. Review status: criteria provided, single submitter. Criteria: Ambry Variant Classification Scheme 2023. Collection method: clinical testing. Allele origin: germline.